The following is an entry in ClinVar:

NM_000059.4(BRCA2):c.9439dup (p.Ser3147fs)

Gene: BRCA2 (BRCA2 DNA repair associated; plus strand). Cytogenetic location: 13q13.1.
Variant type: Duplication.
Coding change: c.9439dup on transcript NM_000059.4 (MANE Select); coding-DNA position 9439, one base duplicated (T; older notation c.9439dupT).
Protein change: p.Ser3147fs; shifts the reading frame from serine 3147.
Molecular consequence: frameshift variant.
Genome position (GRCh38, 1-based): chr13:32,394,871, T duplicated; the last of 4 consecutive T bases (chr13:32,394,868-32,394,871); duplicating any one gives the same sequence. VCF-style (leftmost placement, unchanged base first): chr13-32394867-G-GT. GRCh37 (hg19) VCF-style: chr13-32969004-G-GT.
Other names: short protein forms S3147fs.
Identifiers: ClinVar variation 846415 (VCV000846415.8), dbSNP rs2073024441, ClinGen allele CA916080537.
Genomic context (GRCh38, chr13:32,394,867, plus strand): 5'-CCAGTGGCGACCAGAATCCAAATCAGGCCTTCTTACTTTATTTGCTGGAGATTTTTCTGT[G>GT]TTTTCTGCTAGTCCAAAAGAGGGCCACTTTCAAGAGACATTCAACAAAATGAAAAATACT-3'

ClinVar aggregate classification (germline): Pathogenic (1 of 4 stars; one submission).

Conditions:
Hereditary breast ovarian cancer syndrome. Also called: Breast and ovarian cancer; Hereditary breast and ovarian cancer; Hereditary breast and/or ovarian cancer syndrome; BRCA1- and BRCA2-Associated Hereditary Breast and Ovarian Cancer; Hereditary breast and ovarian cancer syndrome; Hereditary breast and ovarian cancer syndrome (HBOC). Identifiers: Orphanet 145, MedGen C0677776, MeSH D061325, MONDO:0003582. Disease mechanism: loss of function.

Submission:

Labcorp Genetics (formerly Invitae), Labcorp
Classification: Pathogenic for Hereditary breast ovarian cancer syndrome. Last evaluated: 2020-09-11. Review status: criteria provided, single submitter. Criteria: Invitae Variant Classification Sherloc (09022015). Collection method: clinical testing. Allele origin: germline.
Comment: For these reasons, this variant has been classified as Pathogenic. Loss-of-function variants in BRCA2 are known to be pathogenic (PMID: 20104584). This variant has not been reported in the literature in individuals with BRCA2-related conditions. ClinVar contains an entry for this variant (Variation ID: 846415). This variant is not present in population databases (ExAC no frequency). This sequence change creates a premature translational stop signal (p.Ser3147Phefs*3) in the BRCA2 gene. It is expected to result in an absent or disrupted protein product.

Literature cited by the submitters: PubMed 20104584.